The following is an entry in ClinVar:

ClinVar aggregate classification (germline): Uncertain significance (1 of 4 stars; one submission).

gnomAD v4.1: 6 of 1,583,546 alleles (0.00038%); highest among the groups gnomAD compares: Admixed American, 0.0037%; no homozygotes.

Submission:

Labcorp Genetics (formerly Invitae), Labcorp
Classification: Uncertain significance. Last evaluated: 2025-08-12. Review status: criteria provided, single submitter. Criteria: Invitae Variant Classification Sherloc (09022015). Collection method: clinical testing. Allele origin: germline.
Comment: This sequence change replaces arginine, which is basic and polar, with lysine, which is basic and polar, at codon 271 of the DNAJC17 protein (p.Arg271Lys). This variant is present in population databases (rs763434298, gnomAD 0.004%). This variant has not been reported in the literature in individuals affected with DNAJC17-related conditions. ClinVar contains an entry for this variant (Variation ID: 3685334). An algorithm developed to predict the effect of missense changes on protein structure and function (PolyPhen-2) suggests that this variant is likely to be tolerated. In summary, the available evidence is currently insufficient to determine the role of this variant in disease. Therefore, it has been classified as a Variant of Uncertain Significance.

NM_018163.3(DNAJC17):c.812G>A (p.Arg271Lys)

Gene: DNAJC17 (DnaJ heat shock protein family (Hsp40) member C17; minus strand). Cytogenetic location: 15q15.1.
Variant type: single nucleotide variant.
Coding change: c.812G>A on transcript NM_018163.3 (MANE Select); coding-DNA position 812, G replaced by A.
Protein change: p.Arg271Lys; replaces arginine 271 with lysine.
Molecular consequence: missense variant.
Genome position (GRCh38, 1-based): chr15:40,768,043, C>T on the plus strand (G>A on the coding strand, the complement: DNAJC17 is on the minus strand). VCF-style: chr15-40768043-C-T. GRCh37 (hg19) VCF-style: chr15-41060241-C-T.
Other names: short protein forms R271K.
Identifiers: ClinVar variation 3685334 (VCV003685334.2).
Genomic context (GRCh38, chr15:40,768,043, plus strand): 5'-ATCAGCTGTTGCCGCTCGGCCGCCTGGCGCATGCGCATCATGACGAGGCTCTCGTAGTCC[C>T]TCTCTGACAGCACTGAGCCCTGTCGGACAGGGCAGGGACAGGGAGGGGTCAGGGACAGCA-3'
Protein context (NP_060633.1, residues 261-281): GLSKGSVLSE[Arg271Lys]DYESLVMMRM